The following is an entry in ClinVar:

ClinVar aggregate classification (germline): Likely pathogenic (1 of 4 stars; one submission).

Conditions:
Autosomal dominant optic atrophy classic form (OPA1). Also called: OPTIC ATROPHY, JUVENILE; Optic Atrophy Type 1; KJER-TYPE OPTIC ATROPHY. Identifiers: Orphanet 98673, MedGen C0338508, MONDO:0008134, OMIM 165500.

Submission:

MGZ Medical Genetics Center
Classification: Likely pathogenic for Autosomal dominant optic atrophy classic form. Last evaluated: 2022-06-07. Review status: criteria provided, single submitter. Criteria: ACMG Guidelines, 2015. Collection method: clinical testing. Allele origin: germline. Affected: yes. Observed: 1 variant allele.
Comment: ACMG criteria applied: PVS1, PM2_SUP

NM_130837.3(OPA1):c.880G>T (p.Glu294Ter)

Gene: OPA1 (OPA1 mitochondrial dynamin like GTPase; plus strand). Cytogenetic location: 3q29.
Variant type: single nucleotide variant.
Coding change: c.880G>T on transcript NM_130837.3 (MANE Select); coding-DNA position 880, G replaced by T.
Protein change: p.Glu294Ter; replaces glutamic acid 294 with a stop codon.
Molecular consequence: nonsense.
Genome position (GRCh38, 1-based): chr3:193,635,454, G>T. VCF-style: chr3-193635454-G-T. GRCh37 (hg19) VCF-style: chr3-193353243-G-T.
Other names: c.346G>T, p.Glu116Ter (NM_001354663.2); c.343G>T, p.Glu115Ter (NM_001354664.2); c.715G>T, p.Glu239Ter (NM_015560.3); c.607G>T, p.Glu203Ter (NM_130831.3); c.661G>T, p.Glu221Ter (NM_130832.3); c.718G>T, p.Glu240Ter (NM_130833.3); c.769G>T, p.Glu257Ter (NM_130834.3); c.772G>T, p.Glu258Ter (NM_130835.3); and 1 more; short protein forms E115*, E116*, E203*, E221*, E239*, E240*, E257*, E258*.
Identifiers: ClinVar variation 1709521 (VCV001709521.2), dbSNP rs2474788860, ClinGen allele CA355787359.
Genomic context (GRCh38, chr3:193,635,454, plus strand): 5'-GTTACACTTATTATTTTATTGCAGTTGAAGTATCAGAGAATCTTGGAACGATTAGAAAAG[G>T]AGAACAAAGAATTGAGAAAATTAGTATTGCAGAAAGATGACAAAGGCATTCATCATAGAA-3'